The following is an entry in ClinVar:

ClinVar aggregate classification (germline): Uncertain significance (1 of 4 stars; one submission).

Conditions:
Retinitis pigmentosa 39 (RP39). Identifiers: Orphanet 791, MedGen C3151138, MONDO:0013436, OMIM 613809.

gnomAD v4.1: 4 of 1,614,054 alleles (0.00025%); highest among the groups gnomAD compares: Admixed American, 0.005%; no homozygotes.

Submission:

3billion
Classification: Uncertain significance for Retinitis pigmentosa 39. Last evaluated: 2025-12-12. Review status: criteria provided, single submitter. Criteria: ACMG Guidelines, 2015. Collection method: clinical testing. Allele origin: germline. Affected: yes.
Comment: The variant is observed at an extremely low frequency in the gnomAD v4.1.0 dataset (total allele frequency: <0.001%). Predicted Consequence/Location: Missense variant In silico tool predictions suggest no damaging effect of the variant on gene or gene product [REVEL: 0.25 (<0.4); 3Cnet: 0.02 (<0.1, specificity 0.84 and negative predicitive value 0.97)]. Therefore, this variant is classified as VUS according to the recommendation of ACMG/AMP guideline.

NM_206933.4(USH2A):c.6092C>A (p.Thr2031Asn)

Gene: USH2A (usherin; minus strand). Cytogenetic location: 1q41.
Variant type: single nucleotide variant.
Coding change: c.6092C>A on transcript NM_206933.4 (MANE Select); coding-DNA position 6092, C replaced by A.
Protein change: p.Thr2031Asn; replaces threonine 2031 with asparagine.
Molecular consequence: missense variant.
Genome position (GRCh38, 1-based): chr1:216,048,605, G>T on the plus strand (C>A on the coding strand, the complement: USH2A is on the minus strand). VCF-style: chr1-216048605-G-T. GRCh37 (hg19) VCF-style: chr1-216221947-G-T.
Other names: short protein forms T2031N.
Identifiers: ClinVar variation 4856132 (VCV004856132.1).
Genomic context (GRCh38, chr1:216,048,605, plus strand): 5'-GTAGAGATGTTCAATGCATGTGAGCTCTCAGTACAGCCAGCCAAAGTGCAAGCAGTTAGG[G>T]TTACTGCATAGTTTTTGAAGGGTAGCAAGCCTGTCAATATGCCTATAATAAAAAGGGACA-3'
Protein context (NP_996816.3, residues 2021-2041): GLLPFKNYAV[Thr2031Asn]LTACTLAGCT